The following is an entry in ClinVar:

NM_031844.3(HNRNPU):c.2177A>G (p.Asn726Ser)

Gene: HNRNPU (heterogeneous nuclear ribonucleoprotein U; minus strand). Cytogenetic location: 1q44.
Variant type: single nucleotide variant.
Coding change: c.2177A>G on transcript NM_031844.3 (MANE Select); coding-DNA position 2177, A replaced by G.
Protein change: p.Asn726Ser; replaces asparagine 726 with serine.
Molecular consequence: missense variant.
Genome position (GRCh38, 1-based): chr1:244,855,599, T>C on the plus strand (A>G on the coding strand, the complement: HNRNPU is on the minus strand). VCF-style: chr1-244855599-T-C. GRCh37 (hg19) VCF-style: chr1-245018901-T-C.
Other names: c.2120A>G, p.Asn707Ser (NM_004501.3); short protein forms N726S, N707S.
Identifiers: ClinVar variation 2229614 (VCV002229614.4), dbSNP rs2527502885, ClinGen allele CA345487275.

ClinVar aggregate classification (germline): Conflicting classifications of pathogenicity. Review status: criteria provided, conflicting classifications (1 of 4 stars). 2 submissions from 2 submitters: Uncertain significance (1); Benign (1). Last evaluated 2024-08-30.

Conditions:
Inborn genetic diseases. Identifiers: MedGen C0950123, MeSH D030342.
Developmental and epileptic encephalopathy, 54. Also called: Epileptic encephalopathy, early infantile, 54; HNRNPU-Related Neurodevelopmental Disorder. Identifiers: MedGen C4479319, MONDO:0033363, OMIM 617391.

Allele frequency attached by ClinVar (database versions not stated): gnomAD exomes below 0.00001.
gnomAD v4.1: 2 of 1,614,002 alleles (0.00012%); highest among the groups gnomAD compares: South Asian, 0.0011%; no homozygotes.

Submissions (2):

Labcorp Genetics (formerly Invitae), Labcorp
Classification: Benign for Developmental and epileptic encephalopathy, 54. Last evaluated: 2024-08-30. Review status: criteria provided, single submitter. Criteria: Invitae Variant Classification Sherloc (09022015). Collection method: clinical testing. Allele origin: germline.

Ambry Genetics
Classification: Uncertain significance for Inborn genetic diseases. Last evaluated: 2021-03-09. Review status: criteria provided, single submitter. Criteria: Ambry Variant Classification Scheme 2023. Collection method: clinical testing. Allele origin: germline.
Comment: The c.2177A>G (p.N726S) alteration is located in exon 12 (coding exon 12) of the HNRNPU gene. This alteration results from a A to G substitution at nucleotide position 2177, causing the asparagine (N) at amino acid position 726 to be replaced by a serine (S). The p.N726S alteration is predicted to be tolerated by in silico analysis. Based on insufficient or conflicting evidence, the clinical significance of this alteration remains unclear.